The following is an entry in ClinVar:

ClinVar aggregate classification (germline): Uncertain significance (1 of 4 stars; one submission).

Submission:

Labcorp Genetics (formerly Invitae), Labcorp
Classification: Uncertain significance. Last evaluated: 2022-01-15. Review status: criteria provided, single submitter. Criteria: Invitae Variant Classification Sherloc (09022015). Collection method: clinical testing. Allele origin: germline.
Comment: In summary, the available evidence is currently insufficient to determine the role of this variant in disease. Therefore, it has been classified as a Variant of Uncertain Significance. Algorithms developed to predict the effect of missense changes on protein structure and function output the following: SIFT: "Deleterious"; PolyPhen-2: "Probably Damaging"; Align-GVGD: "Class C0". The glutamic acid amino acid residue is found in multiple mammalian species, which suggests that this missense change does not adversely affect protein function. This variant has not been reported in the literature in individuals affected with C7-related conditions. This variant is not present in population databases (gnomAD no frequency). This sequence change replaces glycine, which is neutral and non-polar, with glutamic acid, which is acidic and polar, at codon 59 of the C7 protein (p.Gly59Glu).

NM_000587.4(C7):c.176G>A (p.Gly59Glu)

Gene: C7 (complement C7; plus strand). Cytogenetic location: 5p13.1.
Variant type: single nucleotide variant.
Coding change: c.176G>A on transcript NM_000587.4 (MANE Select); coding-DNA position 176, G replaced by A.
Protein change: p.Gly59Glu; replaces glycine 59 with glutamic acid.
Molecular consequence: missense variant.
Genome position (GRCh38, 1-based): chr5:40,934,362, G>A. VCF-style: chr5-40934362-G-A. GRCh37 (hg19) VCF-style: chr5-40934464-G-A.
Other names: short protein forms G59E.
Identifiers: ClinVar variation 1415417 (VCV001415417.8), dbSNP rs2111590759, ClinGen allele CA359588981.
Genomic context (GRCh38, chr5:40,934,362, plus strand): 5'-ACCACTGCCTGCTTTGTGTTTAGACTCGCAGGCGGTCAGTTGCTGTGTATGGGCAGTATG[G>A]AGGCCAGCCTTGTGTTGGAAATGCTTTTGAAACACAGTCCTGTGAACCTACAAGAGGATG-3'
Protein context (NP_000578.2, residues 49-69): RRSVAVYGQY[Gly59Glu]GQPCVGNAFE